The following is an entry in ClinVar:

ClinVar aggregate classification (germline): Likely pathogenic (1 of 4 stars; one submission).

Submission:

Labcorp Genetics (formerly Invitae), Labcorp
Classification: Likely pathogenic. Last evaluated: 2024-03-02. Review status: criteria provided, single submitter. Criteria: Invitae Variant Classification Sherloc (09022015). Collection method: clinical testing. Allele origin: germline.
Comment: This sequence change affects a donor splice site in intron 15 of the OCA2 gene. It is expected to disrupt RNA splicing. Variants that disrupt the donor or acceptor splice site typically lead to a loss of protein function (PMID: 16199547), and loss-of-function variants in OCA2 are known to be pathogenic (PMID: 19865097, 21541274). This variant is not present in population databases (gnomAD no frequency). Disruption of this splice site has been observed in individual(s) with oculocutaneous albinism (PMID: 12713581). Algorithms developed to predict the effect of sequence changes on RNA splicing suggest that this variant may disrupt the consensus splice site. In summary, the currently available evidence indicates that the variant is pathogenic, but additional data are needed to prove that conclusively. Therefore, this variant has been classified as Likely Pathogenic.

Literature cited by the submitters: PubMed 16199547; PubMed 19865097; PubMed 21541274; PubMed 12713581.

NM_000275.3(OCA2):c.1636+2T>G

Gene: OCA2 (OCA2 melanosomal transmembrane protein; minus strand). Cytogenetic location: 15q13.1.
Variant type: single nucleotide variant.
Coding change: c.1636+2T>G on transcript NM_000275.3 (MANE Select); the canonical splice donor site of the intron after coding-DNA position 1636, T replaced by G.
Molecular consequence: splice donor variant.
Genome position (GRCh38, 1-based): chr15:27,966,688, A>C on the plus strand (T>G on the coding strand, the complement: OCA2 is on the minus strand). VCF-style: chr15-27966688-A-C. GRCh37 (hg19) VCF-style: chr15-28211834-A-C.
Other names: c.1564+2T>G (NM_001300984.2).
Identifiers: ClinVar variation 3006018 (VCV003006018.3), dbSNP rs2506824551, ClinGen allele CA391356937.
Genomic context (GRCh38, chr15:27,966,688, plus strand): 5'-GGTAAACAAACAATATTATGGTCATGAAATCTGAGCCTACATGAGGTTGCACTTGTACTC[A>C]CCAACAATCTCACTGGGTTCCTTGTTATAAAGCTTTCTGTTCCAGTAAAGGAGTCTGAGG-3'